The following is an entry in ClinVar:

NM_000392.5(ABCC2):c.2640A>G (p.Glu880=)

Genes: ABCC2 (ATP binding cassette subfamily C member 2; plus strand), LOC126861012 (BRD4-independent group 4 enhancer GRCh37_chr10:101589748-101590947; plus strand). Cytogenetic location: 10q24.2.
Variant type: single nucleotide variant.
Coding change: c.2640A>G on transcript NM_000392.5 (MANE Select); coding-DNA position 2640, A replaced by G.
Protein change: p.Glu880=; no amino-acid change (glutamic acid 880 retained).
Molecular consequence: synonymous variant.
Genome position (GRCh38, 1-based): chr10:99,830,326, A>G. VCF-style: chr10-99830326-A-G. GRCh37 (hg19) VCF-style: chr10-101590083-A-G.
Other names: c.2640A>G (NM_000392.4).
Identifiers: ClinVar variation 3012617 (VCV003012617.5), dbSNP rs2493004584, ClinGen allele CA471131305.

ClinVar aggregate classification (germline): Likely benign. Review status: criteria provided, single submitter (1 of 4 stars). 2 submissions from 2 submitters: Likely benign (1). 1 of the submissions does not count toward it. Last evaluated 2023-01-25.

Conditions:
ABCC2-related disorder. Also called: ABCC2-related condition.

Submissions (2):

Labcorp Genetics (formerly Invitae), Labcorp
Classification: Likely benign. Last evaluated: 2023-01-25. Review status: criteria provided, single submitter. Criteria: Invitae Variant Classification Sherloc (09022015). Collection method: clinical testing. Allele origin: germline.

PreventionGenetics, part of Exact Sciences
Classification: Likely benign for ABCC2-related condition. Last evaluated: 2022-01-17. Review status: no assertion criteria provided. Collection method: clinical testing. Allele origin: germline. Not counted in ClinVar's aggregate classification.
Comment: This variant is classified as likely benign based on ACMG/AMP sequence variant interpretation guidelines (Richards et al. 2015 PMID: 25741868, with internal and published modifications).